The following is an entry in ClinVar:

NM_014915.3(ANKRD26):c.179C>T (p.Ala60Val)

Gene: ANKRD26 (ankyrin repeat domain 26; minus strand). Cytogenetic location: 10p12.1.
Variant type: single nucleotide variant.
Coding change: c.179C>T on transcript NM_014915.3 (MANE Select); coding-DNA position 179, C replaced by T.
Protein change: p.Ala60Val; replaces alanine 60 with valine.
Molecular consequence: missense variant.
Genome position (GRCh38, 1-based): chr10:27,100,148, G>A on the plus strand (C>T on the coding strand, the complement: ANKRD26 is on the minus strand). VCF-style: chr10-27100148-G-A. GRCh37 (hg19) VCF-style: chr10-27389077-G-A.
Other names: c.179C>T, p.Ala60Val (NM_001256053.2); short protein forms A60V.
Identifiers: ClinVar variation 3868605 (VCV003868605.2).

ClinVar aggregate classification (germline): Uncertain significance. Review status: criteria provided, multiple submitters, no conflicts (2 of 4 stars). 2 submissions from 2 submitters: Uncertain significance (2). Last evaluated 2025-11-18.

Conditions:
Inborn genetic diseases. Identifiers: MedGen C0950123, MeSH D030342.

gnomAD v4.1: 9 of 1,613,962 alleles (0.00056%); highest among the groups gnomAD compares: Non-Finnish European, 0.00068%; no homozygotes.

Submissions (2):

Labcorp Genetics (formerly Invitae), Labcorp
Classification: Uncertain significance. Last evaluated: 2025-11-18. Review status: criteria provided, single submitter. Criteria: Invitae Variant Classification Sherloc (09022015). Collection method: clinical testing. Allele origin: germline.
Comment: This sequence change replaces alanine, which is neutral and non-polar, with valine, which is neutral and non-polar, at codon 60 of the ANKRD26 protein (p.Ala60Val). This variant is present in population databases (rs375207762, gnomAD 0.002%). This variant has not been reported in the literature in individuals affected with ANKRD26-related conditions. ClinVar contains an entry for this variant (Variation ID: 3868605). An algorithm developed to predict the effect of missense changes on protein structure and function (PolyPhen-2) suggests that this variant is likely to be tolerated. In summary, the available evidence is currently insufficient to determine the role of this variant in disease. Therefore, it has been classified as a Variant of Uncertain Significance.

Ambry Genetics
Classification: Uncertain significance for Inborn genetic diseases. Last evaluated: 2025-02-02. Review status: criteria provided, single submitter. Criteria: Ambry Variant Classification Scheme 2023. Collection method: clinical testing. Allele origin: germline.
Comment: The p.A60V variant (also known as c.179C>T), located in coding exon 1 of the ANKRD26 gene, results from a C to T substitution at nucleotide position 179. The alanine at codon 60 is replaced by valine, an amino acid with similar properties. This amino acid position is conserved. In addition, this alteration is predicted to be tolerated by in silico analysis. Based on the available evidence, the clinical significance of this variant remains unclear.